The following is an entry in ClinVar:

ClinVar aggregate classification (germline): Pathogenic (1 of 4 stars; one submission).

Conditions:
Agenesis of the corpus callosum with peripheral neuropathy (ACCPN). Also called: CHARLEVOIX DISEASE; POLYNEUROPATHY, SENSORIMOTOR, WITH OR WITHOUT AGENESIS OF THE CORPUS CALLOSUM; HMSN/ACC; Hereditary Motor and Sensory Neuropathy with Agenesis of the Corpus Callosum. Identifiers: Orphanet 1496, MedGen C0795950, MONDO:0000902, OMIM 218000. Disease mechanism: loss of function.

Submission:

Myriad Genetics, Inc.
Classification: Pathogenic for Agenesis of the corpus callosum with peripheral neuropathy. Last evaluated: 2025-10-16. Review status: criteria provided, single submitter. Criteria: Myriad Autosomal Dominant, Autosomal Recessive and X-Linked Classification Criteria (2023). Collection method: clinical testing. Allele origin: unknown.
Comment: NM_133647.1(SLC12A6):c.1247delT(F416Sfs*27) is expected to be pathogenic in the context of Andermann syndrome. This variant is predicted to lead to an abnormal or absent protein product due to the creation of a premature termination codon in SLC12A6, a gene where loss-of-function variants are known to be pathogenic. Please note: this variant was assessed in the context of healthy population screening.

NM_001365088.1(SLC12A6):c.1247del (p.Phe416fs)

Gene: SLC12A6 (solute carrier family 12 member 6; minus strand). Cytogenetic location: 15q14.
Variant type: Deletion.
Coding change: c.1247del on transcript NM_001365088.1 (MANE Select); coding-DNA position 1247, one base deleted (T; older notation c.1247delT).
Protein change: p.Phe416fs; shifts the reading frame from phenylalanine 416.
Molecular consequence: frameshift variant.
Genome position (GRCh38, 1-based): chr15:34,252,256, A deleted on the plus strand (T on the coding strand, the reverse complement: SLC12A6 is on the minus strand); the first of 5 consecutive A bases (chr15:34,252,256-34,252,260); deleting any one gives the same sequence. VCF-style (leftmost placement, unchanged base first): chr15-34252255-GA-G. GRCh37 (hg19) VCF-style: chr15-34544456-GA-G.
Other names: c.1070del, p.Phe357fs (NM_001042494.2, NM_001042495.2); c.1220del, p.Phe407fs (NM_001042496.2); c.1202del, p.Phe401fs (NM_001042497.2); c.1094del, p.Phe365fs (NM_005135.2); c.1247del, p.Phe416fs (NM_133647.2); short protein forms F357fs, F365fs, F401fs, F407fs, F416fs.
Identifiers: ClinVar variation 5015097 (VCV005015097.1).